The following is an entry in ClinVar:

NM_000465.4(BARD1):c.1829del (p.Pro610fs)

Gene: BARD1 (BRCA1 associated RING domain 1; minus strand). Cytogenetic location: 2q35.
Variant type: Deletion.
Coding change: c.1829del on transcript NM_000465.4 (MANE Select); coding-DNA position 1829, one base deleted (C; older notation c.1829delC).
Protein change: p.Pro610fs; shifts the reading frame from proline 610.
Molecular consequence: frameshift variant. On other transcripts: non-coding transcript variant (3), intron variant (1).
Genome position (GRCh38, 1-based): chr2:214,745,141, G deleted on the plus strand (C on the coding strand, the reverse complement: BARD1 is on the minus strand); the first of 2 consecutive G bases (chr2:214,745,141-214,745,142); deleting either gives the same sequence. VCF-style (leftmost placement, unchanged base first): chr2-214745140-AG-A. GRCh37 (hg19) VCF-style: chr2-215609864-AG-A.
Other names: c.1772del, p.Pro591fs (NM_001282543.2); c.476del, p.Pro159fs (NM_001282545.2); c.419del, p.Pro140fs (NM_001282548.2); c.365-14633del (NM_001282549.2); c.1829delC (NM_000465.4); short protein forms P140fs, P591fs, P610fs, P159fs.
Identifiers: ClinVar variation 942220 (VCV000942220.12), dbSNP rs1693042024, ClinGen allele CA1139657674.

ClinVar aggregate classification (germline): Pathogenic. Review status: criteria provided, multiple submitters, no conflicts (2 of 4 stars). 3 submissions from 3 submitters: Pathogenic (3). Last evaluated 2025-12-24.

Conditions:
Familial cancer of breast. Also called: hereditary breast carcinoma; BREAST CANCER, FAMILIAL; Hereditary breast cancer. Identifiers: Orphanet 227535, MedGen C0346153, MONDO:0016419, OMIM 114480. Disease mechanism: loss of function.
Malignant tumor of breast. Also called: Malignant breast neoplasm; Cancer breast. Identifiers: MedGen C0006142, MONDO:0007254. Disease mechanism: loss of function.

Submissions (3):

Labcorp Genetics (formerly Invitae), Labcorp
Classification: Pathogenic for Familial cancer of breast. Last evaluated: 2025-12-24. Review status: criteria provided, single submitter. Criteria: Invitae Variant Classification Sherloc (09022015). Collection method: clinical testing. Allele origin: germline.
Comment: This sequence change creates a premature translational stop signal (p.Pro610Leufs*9) in the BARD1 gene. It is expected to result in an absent or disrupted protein product. Loss-of-function variants in BARD1 are known to be pathogenic (PMID: 20077502, 21344236). This variant is not present in population databases (gnomAD no frequency). This variant has not been reported in the literature in individuals affected with BARD1-related conditions. ClinVar contains an entry for this variant (Variation ID: 942220). RNA analysis performed to evaluate the impact of this premature translational stop signal on mRNA splicing indicates it does not significantly alter splicing (internal data). For these reasons, this variant has been classified as Pathogenic.

Women's Health and Genetics/Laboratory Corporation of America, LabCorp
Classification: Pathogenic for Malignant tumor of breast. Last evaluated: 2024-11-29. Review status: criteria provided, single submitter. Criteria: LabCorp Variant Classification Summary - May 2015. Collection method: clinical testing. Allele origin: germline.
Comment: Variant summary: BARD1 c.1829delC (p.Pro610LeufsX9) results in a premature termination codon, predicted to cause a truncation of the encoded protein or absence of the protein due to nonsense mediated decay, which are commonly known mechanisms for disease. The variant was absent in 251062 control chromosomes. To our knowledge, no occurrence of c.1829delC in individuals affected with Breast Cancer and no experimental evidence demonstrating its impact on protein function have been reported. ClinVar contains an entry for this variant (Variation ID: 942220). Based on the evidence outlined above, the variant was classified as pathogenic.

Myriad Genetics, Inc.
Classification: Pathogenic for Familial cancer of breast. Last evaluated: 2023-05-24. Review status: criteria provided, single submitter. Criteria: Myriad Autosomal Dominant, Autosomal Recessive and X-Linked Classification Criteria (2023). Collection method: clinical testing. Allele origin: unknown.
Comment: This variant is considered pathogenic. This variant creates a frameshift predicted to result in premature protein truncation.

Literature cited by the submitters: PubMed 20077502 (cited by Labcorp Genetics (formerly Invitae), Labcorp); PubMed 21344236 (cited by Labcorp Genetics (formerly Invitae), Labcorp).